The following is an entry in ClinVar:

ClinVar aggregate classification (germline): Benign/Likely benign. Review status: criteria provided, multiple submitters, no conflicts (2 of 4 stars). 2 submissions from 2 submitters: Benign (1); Likely benign (1). Last evaluated 2024-08-01.

Allele frequency attached by ClinVar (database versions not stated): 1000 Genomes Project 0.00180; TOPMed 0.00345; gnomAD 0.00353 and 0.00369; ExAC 0.00443; 1000 Genomes Project 30x 0.00203; ESP Exome Variant Server 0.00292; gnomAD exomes 0.00317.
gnomAD v4.1: 6,505 of 1,600,582 alleles (0.41%); highest among the groups gnomAD compares: Non-Finnish European, 0.49%; 23 homozygotes.

Submissions (2):

CeGaT Center for Human Genetics Tuebingen
Classification: Likely benign. Last evaluated: 2024-08-01. Review status: criteria provided, single submitter. Criteria: CeGaT Center For Human Genetics Tuebingen Variant Classification Criteria Version 2. Collection method: clinical testing. Allele origin: germline. Affected: yes. Observed: 1 variant allele.
Comment: KCNJ3: BP4, BP7, BS2

Labcorp Genetics (formerly Invitae), Labcorp
Classification: Benign. Last evaluated: 2018-03-29. Review status: criteria provided, single submitter. Criteria: Invitae Variant Classification Sherloc (09022015). Collection method: clinical testing. Allele origin: germline.

NM_002239.4(KCNJ3):c.1494T>C (p.Asp498=)

Gene: KCNJ3 (potassium inwardly rectifying channel subfamily J member 3; plus strand). Cytogenetic location: 2q24.1.
Variant type: single nucleotide variant.
Coding change: c.1494T>C on transcript NM_002239.4 (MANE Select); coding-DNA position 1494, T replaced by C.
Protein change: p.Asp498=; no amino-acid change (aspartic acid 498 retained).
Molecular consequence: synonymous variant. On other transcripts: 3 prime UTR variant (1).
Genome position (GRCh38, 1-based): chr2:154,855,301, T>C. VCF-style: chr2-154855301-T-C. GRCh37 (hg19) VCF-style: chr2-155711813-T-C.
Other names: c.*569T>C (NM_001260508.2).
Identifiers: ClinVar variation 710586 (VCV000710586.19), dbSNP rs80085601, ClinGen allele CA1916137.